The following is an entry in ClinVar:

NM_198576.4(AGRN):c.3343G>A (p.Asp1115Asn)

Gene: AGRN (agrin; plus strand). Cytogenetic location: 1p36.33.
Variant type: single nucleotide variant.
Coding change: c.3343G>A on transcript NM_198576.4 (MANE Select); coding-DNA position 3343, G replaced by A.
Protein change: p.Asp1115Asn; replaces aspartic acid 1115 with asparagine.
Molecular consequence: missense variant.
Genome position (GRCh38, 1-based): chr1:1,046,912, G>A. VCF-style: chr1-1046912-G-A. GRCh37 (hg19) VCF-style: chr1-982292-G-A.
Other names: c.3343G>A, p.Asp1115Asn (NM_001305275.2); c.3028G>A, p.Asp1010Asn (NM_001364727.2); short protein forms D1010N, D1115N.
Identifiers: ClinVar variation 934562 (VCV000934562.11), dbSNP rs1645113298, ClinGen allele CA337848470.
Genomic context (GRCh38, chr1:1,046,912, plus strand): 5'-ACCCCTGGGCCACCTGTCGAGAGGGCTTCCTGCTACAACTCCGCGTTGGGCTGCTGCTCT[G>A]ATGGGAAGACGCCCTCGCTGGACGCAGAGGGCTCCAACTGCCCCGGTGAGTGGACGGCTG-3'
Protein context (NP_940978.2, residues 1105-1125): CYNSALGCCS[Asp1115Asn]GKTPSLDAEG

ClinVar aggregate classification (germline): Uncertain significance. Review status: criteria provided, multiple submitters, no conflicts (2 of 4 stars). 2 submissions from 2 submitters: Uncertain significance (2). Last evaluated 2023-04-04.

Conditions:
Congenital myasthenic syndrome 8. Also called: Myasthenic syndrome, congenital, 8, with pre- and postsynaptic defects; MYASTHENIC SYNDROME, CONGENITAL, DUE TO AGRIN DEFICIENCY. Identifiers: Orphanet 590, MedGen C3808739, MONDO:0014052, OMIM 615120.
Inborn genetic diseases. Identifiers: MedGen C0950123, MeSH D030342.

Allele frequency attached by ClinVar (database versions not stated): gnomAD exomes below 0.00001; TOPMed 0.00001.
gnomAD v4.1: 1 of 1,581,766 alleles (0.000063%); highest among the groups gnomAD compares: African/African-American, 0.0013%; no homozygotes.

Submissions (2):

Ambry Genetics
Classification: Uncertain significance for Inborn genetic diseases. Last evaluated: 2023-04-04. Review status: criteria provided, single submitter. Criteria: Ambry Variant Classification Scheme 2023. Collection method: clinical testing. Allele origin: germline.

Labcorp Genetics (formerly Invitae), Labcorp
Classification: Uncertain significance for Congenital myasthenic syndrome 8. Last evaluated: 2022-07-11. Review status: criteria provided, single submitter. Criteria: Invitae Variant Classification Sherloc (09022015). Collection method: clinical testing. Allele origin: germline.
Comment: This variant is not present in population databases (gnomAD no frequency). In summary, the available evidence is currently insufficient to determine the role of this variant in disease. Therefore, it has been classified as a Variant of Uncertain Significance. Algorithms developed to predict the effect of missense changes on protein structure and function are either unavailable or do not agree on the potential impact of this missense change (SIFT: "Deleterious"; PolyPhen-2: "Probably Damaging"; Align-GVGD: "Class C0"). ClinVar contains an entry for this variant (Variation ID: 934562). This variant has not been reported in the literature in individuals affected with AGRN-related conditions. This sequence change replaces aspartic acid, which is acidic and polar, with asparagine, which is neutral and polar, at codon 1115 of the AGRN protein (p.Asp1115Asn).